The following is an entry in ClinVar:

ClinVar aggregate classification (germline): Uncertain significance (1 of 4 stars; one submission).

Submission:

GeneDx
Classification: Uncertain significance. Last evaluated: 2024-07-14. Review status: criteria provided, single submitter. Criteria: GeneDx Variant Classification Process June 2021. Collection method: clinical testing. Allele origin: germline. Affected: yes.
Comment: Not observed at significant frequency in large population cohorts (gnomAD); In silico analysis supports that this missense variant has a deleterious effect on protein structure/function; Has not been previously published as pathogenic or benign to our knowledge

NM_001357.5(DHX9):c.3220A>G (p.Lys1074Glu)

Gene: DHX9 (DExH-box helicase 9; plus strand). Cytogenetic location: 1q25.3.
Variant type: single nucleotide variant.
Coding change: c.3220A>G on transcript NM_001357.5 (MANE Select); coding-DNA position 3220, A replaced by G.
Protein change: p.Lys1074Glu; replaces lysine 1074 with glutamic acid.
Molecular consequence: missense variant. On other transcripts: non-coding transcript variant (1).
Genome position (GRCh38, 1-based): chr1:182,883,595, A>G. VCF-style: chr1-182883595-A-G. GRCh37 (hg19) VCF-style: chr1-182852730-A-G.
Other names: short protein forms K1074E.
Identifiers: ClinVar variation 3573760 (VCV003573760.1).
Genomic context (GRCh38, chr1:182,883,595, plus strand): 5'-ATCTCTGCTAAAGGCATGACTTTAGTCACCCCCCTGCAGTTGCTTCTCTTTGCCTCCAAG[A>G]AAGTCCAATCTGATGGGCAGATTGTGCTTGTAGATGACTGGTATGGATTTTCAGATGTGA-3'
Protein context (NP_001348.2, residues 1064-1084): PLQLLLFASK[Lys1074Glu]VQSDGQIVLV